The following is an entry in ClinVar:

NM_000088.4(COL1A1):c.1375C>A (p.Pro459Thr)

Gene: COL1A1 (collagen type I alpha 1 chain; minus strand). Cytogenetic location: 17q21.33.
Variant type: single nucleotide variant.
Coding change: c.1375C>A on transcript NM_000088.4 (MANE Select); coding-DNA position 1375, C replaced by A.
Protein change: p.Pro459Thr; replaces proline 459 with threonine.
Molecular consequence: missense variant.
Genome position (GRCh38, 1-based): chr17:50,194,807, G>T on the plus strand (C>A on the coding strand, the complement: COL1A1 is on the minus strand). VCF-style: chr17-50194807-G-T. GRCh37 (hg19) VCF-style: chr17-48272168-G-T.
Other names: short protein forms P459T.
Identifiers: ClinVar variation 388459 (VCV000388459.11), dbSNP rs751299130, ClinGen allele CA8645265.

ClinVar aggregate classification (germline): Conflicting classifications of pathogenicity. Review status: criteria provided, conflicting classifications (1 of 4 stars). 3 submissions from 3 submitters: Uncertain significance (2); Likely benign (1). Last evaluated 2023-01-16.

Conditions:
Osteogenesis imperfecta with normal sclerae, dominant form (OI4). Also called: Osteogenesis Imperfecta Type IV; OSTEOGENESIS IMPERFECTA WITH NORMAL SCLERAE; Osteogenesis imperfecta type 4; Common Variable Osteogenesis Imperfecta with Normal Sclerae; OSTEOGENESIS IMPERFECTA, TYPE IV, WITH DENTINOGENESIS IMPERFECTA. Identifiers: Orphanet 216820, Orphanet 666, MedGen C0268363, MONDO:0008148, OMIM 166220.
Postmenopausal osteoporosis. Also called: BONE MINERAL DENSITY QUANTITATIVE TRAIT LOCUS; OSTEOPOROSIS, INVOLUTIONAL. Identifiers: MedGen C0029458, MONDO:0008159.
Infantile cortical hyperostosis. Also called: Caffey Disease; Hyperostosis, Cortical, Congenital; P1PK BLOOD GROUP SYSTEM, P(2) PHENOTYPE. Identifiers: Orphanet 1310, MedGen C0020497, MONDO:0007244, OMIM 114000.
Osteogenesis imperfecta type I (OI1). Also called: Lobstein disease; Lobstein's Disease; OI, TYPE I; OSTEOGENESIS IMPERFECTA TARDA; OSTEOGENESIS IMPERFECTA WITH BLUE SCLERAE; Osteogenesis imperfecta type 1. Identifiers: Orphanet 216796, Orphanet 666, MedGen C0023931, MONDO:0008146, OMIM 166200. Disease mechanism: loss of function.
Osteogenesis imperfecta, perinatal lethal (OI2). Also called: Osteogenesis imperfecta type 2; OI, TYPE II; OSTEOGENESIS IMPERFECTA CONGENITA; VROLIK TYPE OF OSTEOGENESIS IMPERFECTA; OSTEOGENESIS IMPERFECTA, TYPE II; Osteogenesis imperfecta, dominant perinatal lethal. Identifiers: Orphanet 216804, MedGen C0268358, MONDO:0008147, OMIM 166210.
Osteogenesis imperfecta type III (OI3). Also called: Osteogenesis imperfecta type 3; OI type 3; Osteogenesis imperfecta, progressively deforming with normal sclerae; OI type III; Progressively Deforming Osteogenesis Imperfecta. Identifiers: Orphanet 216812, Orphanet 666, MedGen C0268362, MONDO:0009804, OMIM 259420.
Ehlers-Danlos syndrome, arthrochalasia type. Also called: Ehlers-Danlos syndrome, arthrochalasis type; ARTHROCHALASIS MULTIPLEX CONGENITA; EDS VII, MUTANT PROCOLLAGEN TYPE; EDS VIIA; Ehlers-Danlos syndrome, arthrochalasia type, 1. Identifiers: Orphanet 1899, Orphanet 99875, Orphanet 99876, MedGen C4551623, MONDO:0007525, OMIM 130060.

Allele frequency attached by ClinVar (database versions not stated): TOPMed 0.00002.
gnomAD v4.1: 5 of 1,570,002 alleles (0.00032%); highest among the groups gnomAD compares: Admixed American, 0.0093%; no homozygotes.

Submissions (3):

Labcorp Genetics (formerly Invitae), Labcorp
Classification: Likely benign for Osteogenesis imperfecta type I. Last evaluated: 2023-01-16. Review status: criteria provided, single submitter. Criteria: Invitae Variant Classification Sherloc (09022015). Collection method: clinical testing. Allele origin: germline.

Fulgent Genetics
Classification: Uncertain significance for Infantile cortical hyperostosis; Ehlers-Danlos syndrome, arthrochalasia type; Osteogenesis imperfecta type I; Osteogenesis imperfecta, perinatal lethal; Osteogenesis imperfecta with normal sclerae, dominant form; Osteoporosis; Osteogenesis imperfecta type III. Last evaluated: 2018-10-31. Review status: criteria provided, single submitter. Criteria: ACMG Guidelines, 2015. Collection method: clinical testing. Allele origin: unknown.

GeneDx
Classification: Uncertain significance. Last evaluated: 2016-08-10. Review status: criteria provided, single submitter. Criteria: GeneDx Variant Classification (06012015). Collection method: clinical testing. Allele origin: germline. Affected: yes.
Comment: The P459T variant in the COL1A1 gene has not been reported previously as a pathogenic variant, nor as a benign variant, to our knowledge. The P459T variant was not observed in approximately 6,400 individuals of European and African American ancestry in the NHLBI Exome Sequencing Project, indicating it is not a common benign variant in these populations. The P459T variant is a non-conservative amino acid substitution, which is likely to impact secondary protein structure as these residues differ in polarity, charge, size and/or other properties. This substitution occurs at a position that is conserved in mammals. In silico analysis predicts this variant is probably damaging to the protein structure/function. We interpret P459T as a variant of uncertain significance.